The following is an entry in ClinVar:

ClinVar aggregate classification (germline): Likely pathogenic. Review status: criteria provided, multiple submitters, no conflicts (2 of 4 stars). 3 submissions from 3 submitters: Likely pathogenic (3). Last evaluated 2024-01-04.

Conditions:
Breast-ovarian cancer, familial, susceptibility to, 4. Identifiers: Orphanet 145, MedGen C3280345, MONDO:0013669, OMIM 614291.

gnomAD v4.1: 1 of 1,614,212 alleles (0.000062%); highest among the groups gnomAD compares: Middle Eastern, 0.016%; no homozygotes.

Submissions (3):

Myriad Genetics, Inc.
Classification: Likely pathogenic for Breast-ovarian cancer, familial, susceptibility to, 4. Last evaluated: 2024-01-04. Review status: criteria provided, single submitter. Criteria: Myriad Autosomal Dominant, Autosomal Recessive and X-Linked Classification Criteria (2023). Collection method: clinical testing. Allele origin: unknown.
Comment: This variant is considered likely pathogenic. This variant occurs within a consensus splice junction and is predicted to result in abnormal mRNA splicing of either an out-of-frame exon or an in-frame exon necessary for protein stability and/or normal function.

GeneDx
Classification: Likely pathogenic. Last evaluated: 2023-01-17. Review status: criteria provided, single submitter. Criteria: GeneDx Variant Classification Process June 2021. Collection method: clinical testing. Allele origin: germline. Affected: yes.
Comment: Canonical splice site variant expected to result in aberrant splicing predicted to cause an in-frame deletion of the adjacent exon; Not observed at significant frequency in large population cohorts (gnomAD); Has not been previously published as pathogenic or benign to our knowledge

Labcorp Genetics (formerly Invitae), Labcorp
Classification: Likely pathogenic for Breast-ovarian cancer, familial, susceptibility to, 4. Last evaluated: 2021-10-16. Review status: criteria provided, single submitter. Criteria: Invitae Variant Classification Sherloc (09022015). Collection method: clinical testing. Allele origin: germline.
Comment: This variant has not been reported in the literature in individuals affected with RAD51D-related conditions. This variant is not present in population databases (ExAC no frequency). This sequence change affects a donor splice site in intron 5 of the RAD51D gene. It is expected to disrupt RNA splicing. Variants that disrupt the donor or acceptor splice site typically lead to a loss of protein function (PMID: 16199547), and loss-of-function variants in RAD51D are known to be pathogenic (PMID: 21822267). Algorithms developed to predict the effect of sequence changes on RNA splicing suggest that this variant may disrupt the consensus splice site. In summary, the currently available evidence indicates that the variant is pathogenic, but additional data are needed to prove that conclusively. Therefore, this variant has been classified as Likely Pathogenic.

Literature cited by the submitters: PubMed 16199547 (cited by Labcorp Genetics (formerly Invitae), Labcorp); PubMed 21822267 (cited by Labcorp Genetics (formerly Invitae), Labcorp).

NM_002878.4(RAD51D):c.480+1G>T

Genes: RAD51D (RAD51 paralog D; minus strand), RAD51L3-RFFL (RAD51L3-RFFL readthrough; minus strand). Cytogenetic location: 17q12.
Variant type: single nucleotide variant.
Coding change: c.480+1G>T on transcript NM_002878.4 (MANE Select); the canonical splice donor site of the intron after coding-DNA position 480, G replaced by T.
Molecular consequence: splice donor variant. On other transcripts: intron variant (1).
Genome position (GRCh38, 1-based): chr17:35,106,987, C>A on the plus strand (G>T on the coding strand, the complement: RAD51D is on the minus strand). VCF-style: chr17-35106987-C-A. GRCh37 (hg19) VCF-style: chr17-33434006-C-A.
Other names: c.145-506G>T (NM_133629.3); c.540+1G>T (NM_001142571.2).
Identifiers: ClinVar variation 1199875 (VCV001199875.10), dbSNP rs1597862471, ClinGen allele CA399089135.